The following is an entry in ClinVar:

NM_000080.4(CHRNE):c.457A>T (p.Thr153Ser)

Genes: C17orf107 (chromosome 17 open reading frame 107; plus strand), CHRNE (cholinergic receptor nicotinic epsilon subunit; minus strand). Cytogenetic location: 17p13.2.
Variant type: single nucleotide variant.
Coding change: c.457A>T on transcript NM_000080.4 (MANE Select); coding-DNA position 457, A replaced by T.
Protein change: p.Thr153Ser; replaces threonine 153 with serine.
Molecular consequence: missense variant. On other transcripts: 3 prime UTR variant (1).
Genome position (GRCh38, 1-based): chr17:4,901,975, T>A on the plus strand (A>T on the coding strand, the complement: CHRNE is on the minus strand). VCF-style: chr17-4901975-T-A. GRCh37 (hg19) VCF-style: chr17-4805270-T-A.
Other names: c.*1442T>A (NM_001145536.2); short protein forms T153S.
Identifiers: ClinVar variation 2269293 (VCV002269293.5), dbSNP rs535287601, ClinGen allele CA287186160.

ClinVar aggregate classification (germline): Uncertain significance. Review status: criteria provided, multiple submitters, no conflicts (2 of 4 stars). 2 submissions from 2 submitters: Uncertain significance (2). Last evaluated 2025-11-12.

Conditions:
Inborn genetic diseases. Identifiers: MedGen C0950123, MeSH D030342.
Congenital myasthenic syndrome 4A. Also called: MYASTHENIC SYNDROME, CONGENITAL, 4A, SLOW-CHANNEL, AUTOSOMAL RECESSIVE; Myasthenic syndrome, congenital, 4a, slow-channel; CONGENITAL MYASTHENIC SYNDROME TYPE Ia1. Identifiers: Orphanet 590, MedGen C4225413, MONDO:0011600, OMIM 605809.

Allele frequency attached by ClinVar (database versions not stated): TOPMed 0.00002; 1000 Genomes Project 30x 0.00031; gnomAD 0.00002; gnomAD exomes 0.00001; 1000 Genomes Project 0.00020.
gnomAD v4.1: 6 of 1,607,652 alleles (0.00037%); highest among the groups gnomAD compares: Admixed American, 0.0067%; no homozygotes.

Submissions (2):

Ambry Genetics
Classification: Uncertain significance for Inborn genetic diseases. Last evaluated: 2025-11-12. Review status: criteria provided, single submitter. Criteria: Ambry Variant Classification Scheme 2023. Collection method: clinical testing. Allele origin: germline.

Labcorp Genetics (formerly Invitae), Labcorp
Classification: Uncertain significance for Congenital myasthenic syndrome 4A. Last evaluated: 2025-04-21. Review status: criteria provided, single submitter. Criteria: Invitae Variant Classification Sherloc (09022015). Collection method: clinical testing. Allele origin: germline.
Comment: This sequence change replaces threonine, which is neutral and polar, with serine, which is neutral and polar, at codon 153 of the CHRNE protein (p.Thr153Ser). This variant is present in population databases (rs535287601, gnomAD 0.007%). This variant has not been reported in the literature in individuals affected with CHRNE-related conditions. ClinVar contains an entry for this variant (Variation ID: 2269293). An algorithm developed to predict the effect of missense changes on protein structure and function outputs the following: PolyPhen-2: "Benign". The serine amino acid residue is found in multiple mammalian species, which suggests that this missense change does not adversely affect protein function. In summary, the available evidence is currently insufficient to determine the role of this variant in disease. Therefore, it has been classified as a Variant of Uncertain Significance.